The following is an entry in ClinVar:

ClinVar aggregate classification (germline): Uncertain significance (1 of 4 stars; one submission).

Conditions:
Cardiovascular phenotype. Identifiers: MedGen CN230736.

Submission:

Ambry Genetics
Classification: Uncertain significance for Cardiovascular phenotype. Last evaluated: 2026-09-11. Review status: criteria provided, single submitter. Criteria: Ambry Variant Classification Scheme 2023. Collection method: clinical testing. Allele origin: germline.
Comment: The p.V2688L variant (also known as c.8062G>C), located in coding exon 26 of the APOB gene, results from a G to C substitution at nucleotide position 8062. The valine at codon 2688 is replaced by leucine, an amino acid with highly similar properties. This amino acid position is conserved. In addition, this alteration is predicted to be tolerated by in silico analysis. Based on the available evidence, the clinical significance of this variant remains unclear.

NM_000384.3(APOB):c.8062G>C (p.Val2688Leu)

Gene: APOB (apolipoprotein B; minus strand). Cytogenetic location: 2p24.1.
Variant type: single nucleotide variant.
Coding change: c.8062G>C on transcript NM_000384.3 (MANE Select); coding-DNA position 8062, G replaced by C.
Protein change: p.Val2688Leu; replaces valine 2688 with leucine.
Molecular consequence: missense variant.
Genome position (GRCh38, 1-based): chr2:21,008,806, C>G on the plus strand (G>C on the coding strand, the complement: APOB is on the minus strand). VCF-style: chr2-21008806-C-G. GRCh37 (hg19) VCF-style: chr2-21231678-C-G.
Other names: short protein forms V2688L.
Identifiers: ClinVar variation 3417085 (VCV003417085.2).